The following is an entry in ClinVar:

NM_022064.5(RNF123):c.3621G>A (p.Arg1207=)

Genes: GMPPB (GDP-mannose pyrophosphorylase B; minus strand), RNF123 (ring finger protein 123; plus strand). Cytogenetic location: 3p21.31.
Variant type: single nucleotide variant.
Coding change: c.3621G>A on transcript NM_022064.5 (MANE Select); coding-DNA position 3621, G replaced by A.
Protein change: p.Arg1207=; no amino-acid change (arginine 1207 retained).
Molecular consequence: synonymous variant. On other transcripts: 3 prime UTR variant (1), non-coding transcript variant (1).
Genome position (GRCh38, 1-based): chr3:49,720,631, G>A. VCF-style: chr3-49720631-G-A. GRCh37 (hg19) VCF-style: chr3-49758064-G-A.
Other names: c.*1121C>T (NM_021971.4).
Identifiers: ClinVar variation 3388989 (VCV003388989.14).

ClinVar aggregate classification (germline): Likely benign (1 of 4 stars; one submission).

gnomAD v4.1: 8 of 1,601,980 alleles (0.0005%); highest among the groups gnomAD compares: South Asian, 0.0089%; no homozygotes.

Submission:

CeGaT Center for Human Genetics Tuebingen
Classification: Likely benign. Last evaluated: 2024-11-01. Review status: criteria provided, single submitter. Criteria: CeGaT Center For Human Genetics Tuebingen Variant Classification Criteria Version 2. Collection method: clinical testing. Allele origin: germline. Affected: yes. Observed: 1 variant allele.
Comment: RNF123: BP4